The following is an entry in ClinVar:

NM_001127178.3(PIGG):c.2236C>G (p.Arg746Gly)

Gene: PIGG (phosphatidylinositol glycan anchor biosynthesis class G (EMM blood group); plus strand). Cytogenetic location: 4p16.3.
Variant type: single nucleotide variant.
Coding change: c.2236C>G on transcript NM_001127178.3 (MANE Select); coding-DNA position 2236, C replaced by G.
Protein change: p.Arg746Gly; replaces arginine 746 with glycine.
Molecular consequence: missense variant. On other transcripts: non-coding transcript variant (10).
Genome position (GRCh38, 1-based): chr4:527,205, C>G. VCF-style: chr4-527205-C-G. GRCh37 (hg19) VCF-style: chr4-520994-C-G.
Other names: c.1969C>G, p.Arg657Gly (NM_001289051.2, NM_001345986.2); c.1837C>G, p.Arg613Gly (NM_001289052.2); c.1945C>G, p.Arg649Gly (NM_001345987.2); c.1207C>G, p.Arg403Gly (NM_001345988.2); c.703C>G, p.Arg235Gly (NM_001345990.2, NM_001345991.2); c.1138C>G, p.Arg380Gly (NM_001345994.2); c.2212C>G, p.Arg738Gly (NM_017733.5); short protein forms R235G, R403G, R657G, R746G, R380G, R613G, R649G, R738G.
Identifiers: ClinVar variation 1042766 (VCV001042766.9), dbSNP rs1368574950, ClinGen allele CA355909072.
Genomic context (GRCh38, chr4:527,205, plus strand): 5'-CTGGGGCTGCTGGGCGTCTACTGCTACCGGGCGGCCATCGGGAGTGTCCGGTTCCCGTGG[C>G]GGCCGGACAGCAAGGACATTTCCAAGTAAGTGCGTGGCGGACACGGGGTGCATAGAGCCA-3'
Protein context (NP_001120650.1, residues 736-756): AAIGSVRFPW[Arg746Gly]PDSKDISKGI

ClinVar aggregate classification (germline): Uncertain significance (1 of 4 stars; one submission).

Conditions:
Intellectual disability, autosomal recessive 53 (NEDHSCA). Also called: GLYCOSYLPHOSPHATIDYLINOSITOL BIOSYNTHESIS DEFECT 13; Mental retardation, autosomal recessive 53; NEURODEVELOPMENTAL DISORDER WITH OR WITHOUT HYPOTONIA, SEIZURES, AND CEREBELLAR ATROPHY. Identifiers: Orphanet 488635, MedGen C4310794, MONDO:0014832, OMIM 616917.

Submission:

Labcorp Genetics (formerly Invitae), Labcorp
Classification: Uncertain significance for Intellectual disability, autosomal recessive 53. Last evaluated: 2022-07-12. Review status: criteria provided, single submitter. Criteria: Invitae Variant Classification Sherloc (09022015). Collection method: clinical testing. Allele origin: germline.
Comment: This variant has not been reported in the literature in individuals affected with PIGG-related conditions. This variant is not present in population databases (gnomAD no frequency). This sequence change replaces arginine, which is basic and polar, with glycine, which is neutral and non-polar, at codon 746 of the PIGG protein (p.Arg746Gly). In summary, the available evidence is currently insufficient to determine the role of this variant in disease. Therefore, it has been classified as a Variant of Uncertain Significance. Algorithms developed to predict the effect of missense changes on protein structure and function (SIFT, PolyPhen-2, Align-GVGD) all suggest that this variant is likely to be tolerated. ClinVar contains an entry for this variant (Variation ID: 1042766).